The following is an entry in ClinVar:

NM_001282933.2(ZNF341):c.2135G>A (p.Arg712His)

Genes: ZNF341 (zinc finger protein 341; plus strand), ZNF341-AS1 (ZNF341 antisense RNA 1; minus strand). Cytogenetic location: 20q11.22.
Variant type: single nucleotide variant.
Coding change: c.2135G>A on transcript NM_001282933.2 (MANE Select); coding-DNA position 2135, G replaced by A.
Protein change: p.Arg712His; replaces arginine 712 with histidine.
Molecular consequence: missense variant. On other transcripts: non-coding transcript variant (1).
Genome position (GRCh38, 1-based): chr20:33,791,087, G>A. VCF-style: chr20-33791087-G-A. GRCh37 (hg19) VCF-style: chr20-32378893-G-A.
Other names: c.2114G>A (NM_032819.3); c.1865G>A, p.Arg622His (NM_001282935.2); c.2114G>A, p.Arg705His (NM_032819.5); short protein forms R622H, R705H, R712H.
Identifiers: ClinVar variation 1369234 (VCV001369234.10), dbSNP rs150843496, ClinGen allele CA9819715.

ClinVar aggregate classification (germline): Uncertain significance. Review status: criteria provided, multiple submitters, no conflicts (2 of 4 stars). 3 submissions from 3 submitters: Uncertain significance (3). Last evaluated 2024-10-21.

Allele frequency attached by ClinVar (database versions not stated): gnomAD 0.00002; gnomAD exomes 0.00003 and 0.00004; TOPMed 0.00004; ExAC 0.00005; ESP Exome Variant Server 0.00015.
gnomAD v4.1: 56 of 1,613,024 alleles (0.0035%); highest among the groups gnomAD compares: Middle Eastern, 0.016%; no homozygotes.

Submissions (3):

Labcorp Genetics (formerly Invitae), Labcorp
Classification: Uncertain significance. Last evaluated: 2024-10-21. Review status: criteria provided, single submitter. Criteria: Invitae Variant Classification Sherloc (09022015). Collection method: clinical testing. Allele origin: germline.
Comment: This sequence change replaces arginine, which is basic and polar, with histidine, which is basic and polar, at codon 705 of the ZNF341 protein (p.Arg705His). This variant is present in population databases (rs150843496, gnomAD 0.01%). This variant has not been reported in the literature in individuals affected with ZNF341-related conditions. ClinVar contains an entry for this variant (Variation ID: 1369234). An algorithm developed to predict the effect of missense changes on protein structure and function (PolyPhen-2) suggests that this variant is likely to be tolerated. In summary, the available evidence is currently insufficient to determine the role of this variant in disease. Therefore, it has been classified as a Variant of Uncertain Significance.

Ambry Genetics
Classification: Uncertain significance. Last evaluated: 2022-08-30. Review status: criteria provided, single submitter. Criteria: Ambry Variant Classification Scheme 2023. Collection method: clinical testing. Allele origin: germline.

Blueprint Genetics
Classification: Uncertain significance. Last evaluated: 2020-06-15. Review status: criteria provided, single submitter. Criteria: ACMG Guidelines, 2015. Collection method: clinical testing. Allele origin: germline.